The following is an entry in ClinVar:

NM_001069.3(TUBB2A):c.1204G>C (p.Gly402Arg)

Gene: TUBB2A (tubulin beta 2A class IIa; minus strand). Cytogenetic location: 6p25.2.
Variant type: single nucleotide variant.
Coding change: c.1204G>C on transcript NM_001069.3 (MANE Select); coding-DNA position 1204, G replaced by C.
Protein change: p.Gly402Arg; replaces glycine 402 with arginine.
Molecular consequence: missense variant.
Genome position (GRCh38, 1-based): chr6:3,153,997, C>G on the plus strand (G>C on the coding strand, the complement: TUBB2A is on the minus strand). VCF-style: chr6-3153997-C-G. GRCh37 (hg19) VCF-style: chr6-3154231-C-G.
Other names: c.949G>C, p.Gly317Arg (NM_001310315.2); short protein forms G317R, G402R.
Identifiers: ClinVar variation 3897572 (VCV003897572.1).

ClinVar aggregate classification (germline): Likely pathogenic (1 of 4 stars; one submission).

Conditions:
Complex cortical dysplasia with other brain malformations 5. Identifiers: MedGen C3810407, MONDO:0014337, OMIM 615763.

Submission:

Genetics Laboratory, UDIAT-Centre Diagnòstic, Hospital Universitari Parc Tauli
Classification: Likely pathogenic for complex cortical dysplasia with other brain malformations 5. Last evaluated: 2024-06-17. Review status: criteria provided, single submitter. Criteria: ACMG Guidelines, 2015. Collection method: clinical testing. Allele origin: unknown. Inheritance: Autosomal dominant inheritance. Affected: yes.
Comment: PM1_moderate;PM2_supporting;PM6_moderate;PP3_supporting